The following is an entry in ClinVar:

ClinVar aggregate classification (germline): Conflicting classifications of pathogenicity. Review status: criteria provided, conflicting classifications (1 of 4 stars). 3 submissions from 3 submitters: Pathogenic (1); Uncertain significance (2). Last evaluated 2025-07-17.

Conditions:
Familial cancer of breast. Also called: hereditary breast carcinoma; BREAST CANCER, FAMILIAL; Hereditary breast cancer. Identifiers: Orphanet 227535, MedGen C0346153, MONDO:0016419, OMIM 114480. Disease mechanism: loss of function.
Hereditary cancer-predisposing syndrome. Also called: Neoplastic Syndromes, Hereditary; Hereditary Cancer Syndrome; Hereditary neoplastic syndrome; Tumor predisposition. Identifiers: Orphanet 140162, MedGen C0027672, MeSH D009386, MONDO:0015356.
Fanconi anemia complementation group J. Also called: BRIP1-Related Fanconi Anemia. Identifiers: Orphanet 84, MedGen C1836860, MONDO:0012187, OMIM 609054.

Submissions (3):

Labcorp Genetics (formerly Invitae), Labcorp
Classification: Uncertain significance for Familial cancer of breast; Fanconi anemia complementation group J. Last evaluated: 2025-07-17. Review status: criteria provided, single submitter. Criteria: Invitae Variant Classification Sherloc (09022015). Collection method: clinical testing. Allele origin: germline.
Comment: This sequence change creates a premature translational stop signal (p.Ser988Profs*71) in the BRIP1 gene. While this is not anticipated to result in nonsense mediated decay, it is expected to disrupt the last 262 amino acid(s) of the BRIP1 protein. This variant is not present in population databases (gnomAD no frequency). This premature translational stop signal has been observed in individual(s) with colon cancer (PMID: 31064327). ClinVar contains an entry for this variant (Variation ID: 848099). In summary, the available evidence is currently insufficient to determine the role of this variant in disease. Therefore, it has been classified as a Variant of Uncertain Significance.

Ambry Genetics
Classification: Uncertain significance for Hereditary cancer-predisposing syndrome. Last evaluated: 2025-04-30. Review status: criteria provided, single submitter. Criteria: Ambry Variant Classification Scheme 2023. Collection method: clinical testing. Allele origin: germline.
Comment: The c.2962delT variant, located in coding exon 19 of the BRIP1 gene, results from a deletion of one nucleotide at nucleotide position 2962, causing a translational frameshift with a predicted alternate stop codon (p.S988Pfs*71). This alteration occurs at the 3' terminus of BRIP1 gene, is not expected to trigger nonsense-mediated mRNA decay, and only impacts the last 261 amino acids of the protein. The exact functional impact of these removed amino acids is unknown. While the C-terminal region of the BRIP1 protein has been shown by structural, biochemical, and mutational analysis to be relevant for some aspects of BRIP1 protein function (Gong Z et al. Mol. Cell, 2010 Feb;37:438-46; Leung CC et al. J. Biol. Chem. 2011 Feb; 286(6):4292-301; Xie J et al. PLoS Genet. 2012 Jul; 8(7):e1002786), functional studies have shown that truncations in the 3' terminus of BRIP1 display normal function in response to intra-strand cross-linking agents (Calvo JA et al. Mol Cancer Res, 2021 Jun;19:1015-1025). Based on the available evidence, the clinical significance of this variant remains unclear.

Myriad Genetics, Inc.
Classification: Pathogenic for Familial cancer of breast. Last evaluated: 2023-06-07. Review status: criteria provided, single submitter. Criteria: Myriad Autosomal Dominant, Autosomal Recessive and X-Linked Classification Criteria (2023). Collection method: clinical testing. Allele origin: unknown.
Comment: This variant is considered pathogenic. This variant creates a frameshift predicted to result in premature protein truncation.

Literature cited by the submitters: PubMed 31064327 (cited by Labcorp Genetics (formerly Invitae), Labcorp).

NM_032043.3(BRIP1):c.2962del (p.Ser988fs)

Gene: BRIP1 (BRCA1 interacting DNA helicase 1; minus strand). Cytogenetic location: 17q23.2.
Variant type: Deletion.
Coding change: c.2962del on transcript NM_032043.3 (MANE Select); coding-DNA position 2962, one base deleted (T; older notation c.2962delT).
Protein change: p.Ser988fs; shifts the reading frame from serine 988.
Molecular consequence: frameshift variant.
Genome position (GRCh38, 1-based): chr17:61,684,084, A deleted on the plus strand (T on the coding strand, the reverse complement: BRIP1 is on the minus strand). VCF-style (leftmost placement, unchanged base first): chr17-61684083-GA-G. GRCh37 (hg19) VCF-style: chr17-59761444-GA-G.
Other names: c.2962delT (NM_032043.2); short protein forms S988fs.
Identifiers: ClinVar variation 848099 (VCV000848099.13), dbSNP rs2061324917, ClinGen allele CA916081900.